The following is an entry in ClinVar:

NM_000051.4(ATM):c.4656T>C (p.Asn1552=)

Gene: ATM (ATM serine/threonine kinase; plus strand). Cytogenetic location: 11q22.3.
Variant type: single nucleotide variant.
Coding change: c.4656T>C on transcript NM_000051.4 (MANE Select); coding-DNA position 4656, T replaced by C.
Protein change: p.Asn1552=; no amino-acid change (asparagine 1552 retained).
Molecular consequence: synonymous variant.
Genome position (GRCh38, 1-based): chr11:108,293,357, T>C. VCF-style: chr11-108293357-T-C. GRCh37 (hg19) VCF-style: chr11-108164084-T-C.
Other names: c.4656T>C, p.Asn1552= (NM_001351834.2).
Identifiers: ClinVar variation 230086 (VCV000230086.17), dbSNP rs876658379, ClinGen allele CA10579160.
Genomic context (GRCh38, chr11:108,293,357, plus strand): 5'-TTTAAATTATATTTAGGTATTGGACTTGTTGAAATACTTAGTGATAGATAACAAGGATAA[T>C]GAAAACCTCTATATCACGATTAAGCTTTTAGATCCTTTTCCTGACCATGTTGTTTTTAAG-3'
Protein context (NP_000042.3, residues 1542-1562): LKYLVIDNKD[Asn1552=]ENLYITIKLL

ClinVar aggregate classification (germline): Benign/Likely benign. Review status: criteria provided, multiple submitters, no conflicts (2 of 4 stars). 5 submissions from 5 submitters: Benign (1); Likely benign (4). Last evaluated 2025-07-25.

Conditions:
Hereditary cancer-predisposing syndrome. Also called: Hereditary Cancer Syndrome; Neoplastic Syndromes, Hereditary; Tumor predisposition; Hereditary neoplastic syndrome. Identifiers: Orphanet 140162, MedGen C0027672, MeSH D009386, MONDO:0015356.
Ataxia-telangiectasia syndrome (AT). Also called: Ataxia telangiectasia (A-T); Ataxia-telangiectasia, complementation group E; LOUIS-BAR SYNDROME; Cerebello-oculocutaneous telangiectasia; Immunodeficiency with ataxia telangiectasia; Ataxia-telangiectasia, complementation group D. Identifiers: Orphanet 100, MedGen C0004135, MONDO:0008840, OMIM 208900.
Familial cancer of breast. Also called: Hereditary breast cancer; hereditary breast carcinoma; BREAST CANCER, FAMILIAL. Identifiers: Orphanet 227535, MedGen C0346153, MONDO:0016419, OMIM 114480. Disease mechanism: loss of function.

Allele frequency attached by ClinVar (database versions not stated): gnomAD exomes below 0.00001.
gnomAD v4.1: 3 of 1,590,718 alleles (0.00019%); highest among the groups gnomAD compares: Non-Finnish European, 0.00026%; no homozygotes.

Submissions (5):

Labcorp Genetics (formerly Invitae), Labcorp
Classification: Likely benign for Ataxia-telangiectasia syndrome. Last evaluated: 2025-07-25. Review status: criteria provided, single submitter. Criteria: Invitae Variant Classification Sherloc (09022015). Collection method: clinical testing. Allele origin: germline.

Myriad Genetics, Inc.
Classification: Benign for Familial cancer of breast. Last evaluated: 2024-05-20. Review status: criteria provided, single submitter. Criteria: Myriad Autosomal Dominant, Autosomal Recessive and X-Linked Classification Criteria (2023). Collection method: clinical testing. Allele origin: unknown.
Comment: This variant is considered benign. This variant is a silent/synonymous amino acid change and it is not expected to impact splicing.

Women's Health and Genetics/Laboratory Corporation of America, LabCorp
Classification: Likely benign. Last evaluated: 2022-08-07. Review status: criteria provided, single submitter. Criteria: LabCorp Variant Classification Summary - May 2015. Collection method: clinical testing. Allele origin: germline.

GeneDx
Classification: Likely benign. Last evaluated: 2017-02-15. Review status: criteria provided, single submitter. Criteria: GeneDx Variant Classification (06012015). Collection method: clinical testing. Allele origin: germline. Affected: yes.
Comment: This variant is considered likely benign or benign based on one or more of the following criteria: it is a conservative change, it occurs at a poorly conserved position in the protein, it is predicted to be benign by multiple in silico algorithms, and/or has population frequency not consistent with disease.

Ambry Genetics
Classification: Likely benign for Hereditary cancer-predisposing syndrome. Last evaluated: 2015-01-20. Review status: criteria provided, single submitter. Criteria: Ambry Variant Classification Scheme 2023. Collection method: clinical testing. Allele origin: germline.